The following is an entry in ClinVar:

ClinVar aggregate classification (germline): Likely pathogenic (1 of 4 stars; one submission).

Conditions:
Cardiac anomalies - developmental delay - facial dysmorphism syndrome (MRFACD). Also called: Impaired intellectual development and distinctive facial features with or without cardiac defects; MED13L Syndrome. Identifiers: Orphanet 369891, MedGen C5192431, MONDO:0014773, OMIM 616789.

Submission:

MGZ Medical Genetics Center
Classification: Likely pathogenic for Cardiac anomalies - developmental delay - facial dysmorphism syndrome. Last evaluated: 2022-01-18. Review status: criteria provided, single submitter. Criteria: ACMG Guidelines, 2015. Collection method: clinical testing. Allele origin: germline. Affected: yes. Observed: 1 variant allele.
Comment: ACMG criteria applied: PVS1, PM2_SUP

NM_015335.5(MED13L):c.3627_3630del (p.Pro1210fs)

Gene: MED13L (mediator complex subunit 13L; minus strand). Cytogenetic location: 12q24.21.
Variant type: Microsatellite.
Coding change: c.3627_3630del on transcript NM_015335.5 (MANE Select); coding-DNA positions 3627 to 3630, 4 bases deleted (TCCT; older notation c.3627_3630delTCCT).
Protein change: p.Pro1210fs; shifts the reading frame from proline 1210.
Molecular consequence: frameshift variant.
Genome position (GRCh38, 1-based): chr12:115,991,324-115,991,327, AGGA deleted on the plus strand (TCCT on the coding strand, the reverse complement: MED13L is on the minus strand); deleting any 4 consecutive bases within chr12:115,991,324-115,991,334 gives the same sequence; the c. name uses the placement nearest the transcript's 3' end. VCF-style (leftmost placement, unchanged base first): chr12-115991323-GAGGA-G. GRCh37 (hg19) VCF-style: chr12-116429128-GAGGA-G.
Other names: short protein forms P1210fs.
Identifiers: ClinVar variation 1708981 (VCV001708981.2), dbSNP rs2499855976, ClinGen allele CA2580614573.